The following is an entry in ClinVar:

NM_000206.3(IL2RG):c.395T>G (p.Leu132Arg)

Gene: IL2RG (interleukin 2 receptor subunit gamma; minus strand). Cytogenetic location: Xq13.1.
Variant type: single nucleotide variant.
Coding change: c.395T>G on transcript NM_000206.3 (MANE Select); coding-DNA position 395, T replaced by G.
Protein change: p.Leu132Arg; replaces leucine 132 with arginine.
Molecular consequence: missense variant.
Genome position (GRCh38, 1-based): chrX:71,110,563, A>C on the plus strand (T>G on the coding strand, the complement: IL2RG is on the minus strand). VCF-style: chrX-71110563-A-C. GRCh37 (hg19) VCF-style: chrX-70330413-A-C.
Other names: short protein forms L132R.
Identifiers: ClinVar variation 1043919 (VCV001043919.8), dbSNP rs2092261278, ClinGen allele CA413496650.

ClinVar aggregate classification (germline): Uncertain significance (1 of 4 stars; one submission).

Conditions:
X-linked severe combined immunodeficiency (SCIDX1). Also called: X-Linked Combined Immunodeficiency Diseases; IMMUNODEFICIENCY 4; SCID, X-LINKED; SEVERE COMBINED IMMUNODEFICIENCY, X-LINKED, T CELL-NEGATIVE, B CELL-POSITIVE, NK CELL-NEGATIVE; T-B+ severe combined immunodeficiency due to gamma chain deficiency. Identifiers: Orphanet 276, MedGen C6022468, MONDO:0010315, OMIM 300400. Disease mechanism: loss of function.

Submission:

Labcorp Genetics (formerly Invitae), Labcorp
Classification: Uncertain significance for X-linked severe combined immunodeficiency. Last evaluated: 2024-02-24. Review status: criteria provided, single submitter. Criteria: Invitae Variant Classification Sherloc (09022015). Collection method: clinical testing. Allele origin: germline.
Comment: This sequence change replaces leucine, which is neutral and non-polar, with arginine, which is basic and polar, at codon 132 of the IL2RG protein (p.Leu132Arg). This variant is not present in population databases (gnomAD no frequency). This missense change has been observed in individual(s) with clinical features of severe combined immunodeficiency (Invitae). ClinVar contains an entry for this variant (Variation ID: 1043919). Advanced modeling of protein sequence and biophysical properties (such as structural, functional, and spatial information, amino acid conservation, physicochemical variation, residue mobility, and thermodynamic stability) performed at Invitae indicates that this missense variant is expected to disrupt IL2RG protein function with a positive predictive value of 80%. This variant disrupts the p.Leu132 amino acid residue in IL2RG. Other variant(s) that disrupt this residue have been observed in individuals with IL2RG-related conditions (PMID: 9633906), which suggests that this may be a clinically significant amino acid residue. In summary, the available evidence is currently insufficient to determine the role of this variant in disease. Therefore, it has been classified as a Variant of Uncertain Significance.

Literature cited by the submitters: PubMed 9633906.